The following is an entry in ClinVar:

NM_001008537.3(NEXMIF):c.1664T>A (p.Leu555Gln)

Gene: NEXMIF (neurite extension and migration factor; minus strand). Cytogenetic location: Xq13.3.
Variant type: single nucleotide variant.
Coding change: c.1664T>A on transcript NM_001008537.3 (MANE Select); coding-DNA position 1664, T replaced by A.
Protein change: p.Leu555Gln; replaces leucine 555 with glutamine.
Molecular consequence: missense variant.
Genome position (GRCh38, 1-based): chrX:74,742,893, A>T on the plus strand (T>A on the coding strand, the complement: NEXMIF is on the minus strand). VCF-style: chrX-74742893-A-T. GRCh37 (hg19) VCF-style: chrX-73962728-A-T.
Other names: short protein forms L555Q.
Identifiers: ClinVar variation 4070824 (VCV004070824.1).

ClinVar aggregate classification (germline): Uncertain significance (1 of 4 stars; one submission).

Submission:

GeneDx
Classification: Uncertain significance. Last evaluated: 2025-01-16. Review status: criteria provided, single submitter. Criteria: GeneDx Variant Classification Process June 2021. Collection method: clinical testing. Allele origin: germline. Affected: yes.
Comment: Not observed at significant frequency in large population cohorts (gnomAD); In silico analysis supports that this missense variant has a deleterious effect on protein structure/function; Has not been previously published as pathogenic or benign to our knowledge